The following is an entry in ClinVar:

ClinVar aggregate classification (germline): Uncertain significance (1 of 4 stars; one submission).

Submission:

GeneDx
Classification: Uncertain significance. Last evaluated: 2022-06-23. Review status: criteria provided, single submitter. Criteria: GeneDx Variant Classification Process June 2021. Collection method: clinical testing. Allele origin: germline. Affected: yes.
Comment: Not observed at significant frequency in large population cohorts (gnomAD); In silico analysis supports that this missense variant does not alter protein structure/function; Has not been previously published as pathogenic or benign to our knowledge

NM_000493.4(COL10A1):c.551T>A (p.Met184Lys)

Genes: COL10A1 (collagen type X alpha 1 chain; minus strand), NT5DC1 (5'-nucleotidase domain containing 1; plus strand). Cytogenetic location: 6q22.1.
Variant type: single nucleotide variant.
Coding change: c.551T>A on transcript NM_000493.4 (MANE Select); coding-DNA position 551, T replaced by A.
Protein change: p.Met184Lys; replaces methionine 184 with lysine.
Molecular consequence: missense variant. On other transcripts: intron variant (1).
Genome position (GRCh38, 1-based): chr6:116,121,565, A>T on the plus strand (T>A on the coding strand, the complement: COL10A1 is on the minus strand). VCF-style: chr6-116121565-A-T. GRCh37 (hg19) VCF-style: chr6-116442728-A-T.
Other names: c.551T>A, p.Met184Lys (NM_001424106.1, NM_001424107.1); c.529+3620A>T (NM_152729.3); short protein forms M184K.
Identifiers: ClinVar variation 1806565 (VCV001806565.1), dbSNP rs1779128547, ClinGen allele CA365394762.